The following is an entry in ClinVar:

ClinVar aggregate classification (germline): Uncertain significance (1 of 4 stars; one submission).

Submission:

Labcorp Genetics (formerly Invitae), Labcorp
Classification: Uncertain significance. Last evaluated: 2021-08-14. Review status: criteria provided, single submitter. Criteria: Invitae Variant Classification Sherloc (09022015). Collection method: clinical testing. Allele origin: germline.
Comment: This variant, c.252_263del, results in the deletion of 4 amino acid(s) of the ARIH1 protein (p.Gly87_Gly90del), but otherwise preserves the integrity of the reading frame. The frequency data for this variant in the population databases is considered unreliable, as metrics indicate insufficient coverage at this position in the ExAC database. This variant has not been reported in the literature in individuals affected with ARIH1-related conditions. Experimental studies and prediction algorithms are not available or were not evaluated, and the functional significance of this variant is currently unknown. In summary, the available evidence is currently insufficient to determine the role of this variant in disease. Therefore, it has been classified as a Variant of Uncertain Significance.

NM_005744.5(ARIH1):c.252_263del (p.Gly87_Gly90del)

Gene: ARIH1 (ariadne RBR E3 ubiquitin protein ligase 1; plus strand). Cytogenetic location: 15q24.1.
Variant type: Deletion.
Coding change: c.252_263del on transcript NM_005744.5 (MANE Select); coding-DNA positions 252 to 263, 12 bases deleted (CGGCGGTGGTGG).
Protein change: p.Gly87_Gly90del.
Molecular consequence: inframe deletion.
Genome position (GRCh38, 1-based): chr15:72,474,891-72,474,902, CGGCGGTGGTGG deleted; deleting any 12 consecutive bases within chr15:72,474,889-72,474,902 gives the same sequence; the c. name uses the placement nearest the transcript's 3' end. VCF-style (leftmost placement, unchanged base first): chr15-72474888-CGGCGGCGGTGGT-C. GRCh37 (hg19) VCF-style: chr15-72767229-CGGCGGCGGTGGT-C.
Identifiers: ClinVar variation 1371916 (VCV001371916.6), dbSNP rs2063787786, ClinGen allele CA912992684.